The following is an entry in ClinVar:

NM_201384.3(PLEC):c.8041G>A (p.Glu2681Lys)

Gene: PLEC (plectin; minus strand). Cytogenetic location: 8q24.3.
Variant type: single nucleotide variant.
Coding change: c.8041G>A on transcript NM_201384.3 (MANE Select); coding-DNA position 8041, G replaced by A.
Protein change: p.Glu2681Lys; replaces glutamic acid 2681 with lysine.
Molecular consequence: missense variant.
Genome position (GRCh38, 1-based): chr8:143,921,780, C>T on the plus strand (G>A on the coding strand, the complement: PLEC is on the minus strand). VCF-style: chr8-143921780-C-T. GRCh37 (hg19) VCF-style: chr8-144995948-C-T.
Other names: c.8122G>A, p.Glu2708Lys (NM_000445.5); c.7999G>A, p.Glu2667Lys (NM_201378.4); c.7975G>A, p.Glu2659Lys (NM_201379.3); c.8452G>A, p.Glu2818Lys (NM_201380.4); c.7945G>A, p.Glu2649Lys (NM_201381.3); c.8041G>A, p.Glu2681Lys (NM_201382.4); c.8053G>A, p.Glu2685Lys (NM_201383.3); short protein forms E2649K, E2659K, E2667K, E2681K, E2685K, E2708K, E2818K.
Identifiers: ClinVar variation 426994 (VCV000426994.58), dbSNP rs200128670, ClinGen allele CA4925442.

ClinVar aggregate classification (germline): Conflicting classifications of pathogenicity. Review status: criteria provided, conflicting classifications (1 of 4 stars). 8 submissions from 8 submitters: Uncertain significance (6); Likely benign (1). 1 of the submissions does not count toward it. Last evaluated 2025-12-20.

Conditions:
Epidermolysis bullosa simplex 5C, with pyloric atresia (EBS5C). Also called: PLEC1-Related Epidermolysis Bullosa with Pyloric Atresia; PLEC-Related Epidermolysis Bullosa with Pyloric Atresia; Epidermolysis bullosa simplex with pyloric atresia. Identifiers: Orphanet 158684, MedGen C2677349, MONDO:0012807, OMIM 612138.
Autosomal recessive limb-girdle muscular dystrophy type 2Q (LGMDR17). Also called: MUSCULAR DYSTROPHY, LIMB-GIRDLE, AUTOSOMAL RECESSIVE 17. Identifiers: Orphanet 254361, MedGen C3150989, MONDO:0013390, OMIM 613723.
Epidermolysis bullosa simplex 5B, with muscular dystrophy (EBS5B). Also called: EPIDERMOLYSIS BULLOSA SIMPLEX AND LIMB-GIRDLE MUSCULAR DYSTROPHY; Epidermolysis bullosa simplex with muscular dystrophy. Identifiers: Orphanet 257, MedGen C2931072, MONDO:0009181, OMIM 226670.
Epidermolysis bullosa simplex, Ogna type (EBS5A). Also called: Pidermolysis bullosa simplex 5A, Ogna type; EPIDERMOLYSIS BULLOSA SIMPLEX 5A, OGNA TYPE. Identifiers: Orphanet 79401, MedGen C0432317, MONDO:0007555, OMIM 131950.
Epidermolysis bullosa simplex with nail dystrophy (EBS5D). Identifiers: MedGen C4225309, MONDO:0014661, OMIM 616487.
PLEC-related disorder. Also called: PLEC-related condition; PLEC-related disorders.
Inborn genetic diseases. Identifiers: MedGen C0950123, MeSH D030342.

Allele frequency attached by ClinVar (database versions not stated): gnomAD 0.00018 and 0.00021; ExAC 0.00019; ESP Exome Variant Server 0.00023; gnomAD exomes 0.00023 and 0.00037; TOPMed 0.00027.
gnomAD v4.1: 559 of 1,611,268 alleles (0.035%); highest among the groups gnomAD compares: Non-Finnish European, 0.044%; no homozygotes.

Submissions (8):

Labcorp Genetics (formerly Invitae), Labcorp
Classification: Uncertain significance for Autosomal recessive limb-girdle muscular dystrophy type 2Q; Epidermolysis bullosa simplex, Ogna type; Epidermolysis bullosa simplex with nail dystrophy; Epidermolysis bullosa simplex 5C, with pyloric atresia; Epidermolysis bullosa simplex 5B, with muscular dystrophy. Last evaluated: 2025-12-20. Review status: criteria provided, single submitter. Criteria: Invitae Variant Classification Sherloc (09022015). Collection method: clinical testing. Allele origin: germline.
Comment: This sequence change replaces glutamic acid, which is acidic and polar, with lysine, which is basic and polar, at codon 2708 of the PLEC protein (p.Glu2708Lys). This variant is present in population databases (rs200128670, gnomAD 0.04%), including at least one homozygous and/or hemizygous individual. This missense change has been observed in individual(s) with clinical features of limb-girdle muscular dystrophy (internal notes). ClinVar contains an entry for this variant (Variation ID: 426994). An algorithm developed to predict the effect of missense changes on protein structure and function (PolyPhen-2) suggests that this variant is likely to be disruptive. In summary, the available evidence is currently insufficient to determine the role of this variant in disease. Therefore, it has been classified as a Variant of Uncertain Significance.

Athena Diagnostics
Classification: Uncertain significance. Last evaluated: 2025-09-10. Review status: criteria provided, single submitter. Criteria: Athena Diagnostics Criteria. Collection method: clinical testing. Allele origin: unknown.
Comment: Available data are insufficient to determine the clinical significance of the variant at this time. The frequency of this variant in the general population is higher than would generally be expected for pathogenic variants in this gene. Polyphen and MutationTaster predict this amino acid change may be benign.

Revvity Omics, Revvity
Classification: Uncertain significance. Last evaluated: 2025-06-17. Review status: criteria provided, single submitter. Criteria: ACMG Guidelines, 2015. Collection method: clinical testing. Allele origin: germline.

Blueprint Genetics
Classification: Uncertain significance. Last evaluated: 2024-09-18. Review status: criteria provided, single submitter. Criteria: ACMG Guidelines, 2015. Collection method: clinical testing. Allele origin: germline.

Ambry Genetics
Classification: Uncertain significance for Inborn genetic diseases. Last evaluated: 2021-08-12. Review status: criteria provided, single submitter. Criteria: Ambry Variant Classification Scheme 2023. Collection method: clinical testing. Allele origin: germline.

GeneDx
Classification: Likely benign. Last evaluated: 2020-12-17. Review status: criteria provided, single submitter. Criteria: GeneDx Variant Classification Process June 2021. Collection method: clinical testing. Allele origin: germline. Affected: yes.

Eurofins Ntd Llc (ga)
Classification: Uncertain significance. Last evaluated: 2017-11-27. Review status: criteria provided, single submitter. Criteria: EGL Classification Definitions 2015. Collection method: clinical testing. Allele origin: germline. Observed: 4 variant alleles, 4 heterozygotes.

PreventionGenetics, part of Exact Sciences
Classification: Uncertain significance for PLEC-related condition. Last evaluated: 2024-04-02. Review status: no assertion criteria provided. Collection method: clinical testing. Allele origin: germline. Not counted in ClinVar's aggregate classification.
Comment: The PLEC c.8122G>A variant is predicted to result in the amino acid substitution p.Glu2708Lys. To our knowledge, this variant has not been reported in the literature. This variant is reported in 0.039% of alleles in individuals of European (Non-Finnish) descent in gnomAD. At this time, the clinical significance of this variant is uncertain due to the absence of conclusive functional and genetic evidence.